The following is an entry in ClinVar:

NM_020366.4(RPGRIP1):c.3686C>G (p.Ala1229Gly)

Gene: RPGRIP1 (RPGR interacting protein 1; plus strand). Cytogenetic location: 14q11.2.
Variant type: single nucleotide variant.
Coding change: c.3686C>G on transcript NM_020366.4 (MANE Select); coding-DNA position 3686, C replaced by G.
Protein change: p.Ala1229Gly; replaces alanine 1229 with glycine.
Molecular consequence: missense variant.
Genome position (GRCh38, 1-based): chr14:21,348,240, C>G. VCF-style: chr14-21348240-C-G. GRCh37 (hg19) VCF-style: chr14-21816399-C-G.
Other names: c.1664C>G, p.Ala555Gly (NM_001377523.1, NM_001377950.1); c.2612C>G, p.Ala871Gly (NM_001377948.1); c.1772C>G, p.Ala591Gly (NM_001377949.1); c.1169C>G, p.Ala390Gly (NM_001377951.1); short protein forms A1229G, A390G, A555G, A591G, A871G.
Identifiers: ClinVar variation 1305537 (VCV001305537.2), dbSNP rs2139366146, ClinGen allele CA388858099.
Genomic context (GRCh38, chr14:21,348,240, plus strand): 5'-TTACAGTGGTAAGTGATCCTCTGGATGAAGAAAAGAAAGAATGTGAAGAAGTGGGATATG[C>G]ATATCTTCAACTGTGGCAGATCCTGGAGTCAGGAAGAGATATTCTAGAGCAAGAGCTAGA-3'
Protein context (NP_065099.3, residues 1219-1239): EKKECEEVGY[Ala1229Gly]YLQLWQILES

ClinVar aggregate classification (germline): Uncertain significance (1 of 4 stars; one submission).

Submission:

GeneDx
Classification: Uncertain significance. Last evaluated: 2019-05-03. Review status: criteria provided, single submitter. Criteria: GeneDx Variant Classification Process June 2021. Collection method: clinical testing. Allele origin: germline. Affected: yes.
Comment: Not observed in large population cohorts (Lek et al., 2016); In silico analysis, which includes protein predictors and evolutionary conservation, supports a deleterious effect; Has not been previously published as pathogenic or benign to our knowledge